The following is an entry in ClinVar:

NM_019616.4(F7):c.580G>C (p.Gly194Arg)

Gene: F7 (coagulation factor VII; plus strand). Cytogenetic location: 13q34.
Variant type: single nucleotide variant.
Coding change: c.580G>C on transcript NM_019616.4 (MANE Select); coding-DNA position 580, G replaced by C.
Protein change: p.Gly194Arg; replaces glycine 194 with arginine.
Molecular consequence: missense variant. On other transcripts: non-coding transcript variant (1).
Genome position (GRCh38, 1-based): chr13:113,116,840, G>C. VCF-style: chr13-113116840-G-C. GRCh37 (hg19) VCF-style: chr13-113771154-G-C.
Other names: c.646G>C, p.Gly216Arg (NM_000131.5); c.394G>C, p.Gly132Arg (NM_001267554.2); short protein forms G132R, G194R, G216R.
Identifiers: ClinVar variation 2692371 (VCV002692371.3), dbSNP rs1186901138, ClinGen allele CA388784978.

ClinVar aggregate classification (germline): Likely pathogenic. Review status: criteria provided, multiple submitters, no conflicts (2 of 4 stars). 2 submissions from 2 submitters: Likely pathogenic (2). Last evaluated 2024-09-26.

Conditions:
Congenital factor VII deficiency. Identifiers: Orphanet 327, MedGen C0272320, MONDO:0009211, OMIM 227500.

Allele frequency attached by ClinVar (database versions not stated): TOPMed below 0.00001; gnomAD 0.00001; gnomAD exomes 0.00001.
gnomAD v4.1: 13 of 1,613,672 alleles (0.00081%); highest among the groups gnomAD compares: Non-Finnish European, 0.0011%; no homozygotes.

Submissions (2):

Institute of Clinical Chemistry and Institute of Clinical Molecular Biology, University Hospital Schleswig-Holstein, Campus Kiel
Classification: Likely pathogenic for Congenital factor VII deficiency. Last evaluated: 2024-09-26. Review status: criteria provided, single submitter. Criteria: ACMG Guidelines, 2015. Collection method: clinical testing. Allele origin: germline. Affected: yes. Observed: 1 variant allele.
Comment: Applied ACMG criteria: PM2, PM5, PP3_moderate

Institute of Human Genetics, University of Leipzig Medical Center
Classification: Likely pathogenic for Congenital factor VII deficiency. Last evaluated: 2024-01-23. Review status: criteria provided, single submitter. Criteria: ACMG Guidelines, 2015. Collection method: clinical testing. Allele origin: unknown. Inheritance: Autosomal recessive inheritance. Affected: yes.
Comment: Criteria applied: PM5_STR,PM2_SUP,PP3